The following is an entry in ClinVar:

NM_000271.5(NPC1):c.3134T>C (p.Leu1045Pro)

Gene: NPC1 (NPC intracellular cholesterol transporter 1; minus strand). Cytogenetic location: 18q11.2.
Variant type: single nucleotide variant.
Coding change: c.3134T>C on transcript NM_000271.5 (MANE Select); coding-DNA position 3134, T replaced by C.
Protein change: p.Leu1045Pro; replaces leucine 1045 with proline.
Molecular consequence: missense variant.
Genome position (GRCh38, 1-based): chr18:23,536,784, A>G on the plus strand (T>C on the coding strand, the complement: NPC1 is on the minus strand). VCF-style: chr18-23536784-A-G. GRCh37 (hg19) VCF-style: chr18-21116748-A-G.
Other names: short protein forms L1045P.
Identifiers: ClinVar variation 550833 (VCV000550833.15), dbSNP rs893564568, ClinGen allele CA297079794.

ClinVar aggregate classification (germline): Conflicting classifications of pathogenicity. Review status: criteria provided, conflicting classifications (1 of 4 stars). 4 submissions from 4 submitters: Likely pathogenic (1); Uncertain significance (2). 1 of the submissions does not count toward it. Last evaluated 2025-10-24.

Conditions:
Niemann-Pick disease, type C1. Also called: NIEMANN-PICK DISEASE, VARIANT TYPE C1; NEUROVISCERAL STORAGE DISEASE WITH VERTICAL SUPRANUCLEAR OPHTHALMOPLEGIA; NIEMANN-PICK DISEASE WITH CHOLESTEROL ESTERIFICATION BLOCK; NIEMANN-PICK DISEASE WITHOUT SPHINGOMYELINASE DEFICIENCY; NIEMANN-PICK DISEASE, CHRONIC NEURONOPATHIC FORM. Identifiers: Orphanet 646, MedGen C3179455, MONDO:0009757, OMIM 257220.

Allele frequency attached by ClinVar (database versions not stated): gnomAD exomes below 0.00001; TOPMed below 0.00001.
gnomAD v4.1: 2 of 1,614,250 alleles (0.00012%); highest among the groups gnomAD compares: Non-Finnish European, 0.00017%; no homozygotes.

Submissions (4):

Women's Health and Genetics/Laboratory Corporation of America, LabCorp
Classification: Uncertain significance. Last evaluated: 2025-10-24. Review status: criteria provided, single submitter. Criteria: LabCorp Variant Classification Summary - May 2015. Collection method: clinical testing. Allele origin: germline.
Comment: Variant summary: NPC1 c.3134T>C (p.Leu1045Pro) results in a non-conservative amino acid change in the encoded protein sequence. Algorithms developed to predict the effect of missense changes on protein structure and function all suggest that this variant is likely to be disruptive. The variant was absent in 251442 control chromosomes. The available data on variant occurrences in the general population are insufficient to allow any conclusion about variant significance. c.3134T>C has been observed in an individual affected with Niemann-Pick Disease Type C (Reunert_2016). These data do not allow any conclusion about variant significance. To our knowledge, no experimental evidence demonstrating an impact on protein function has been reported. The following publication have been ascertained in the context of this evaluation (PMID: 26981555). ClinVar contains an entry for this variant (Variation ID: 550833). Based on the evidence outlined above, the variant was classified as uncertain significance.

Labcorp Genetics (formerly Invitae), Labcorp
Classification: Likely pathogenic for Niemann-Pick disease, type C1. Last evaluated: 2023-01-05. Review status: criteria provided, single submitter. Criteria: Invitae Variant Classification Sherloc (09022015). Collection method: clinical testing. Allele origin: germline.
Comment: In summary, the currently available evidence indicates that the variant is pathogenic, but additional data are needed to prove that conclusively. Therefore, this variant has been classified as Likely Pathogenic. Advanced modeling of protein sequence and biophysical properties (such as structural, functional, and spatial information, amino acid conservation, physicochemical variation, residue mobility, and thermodynamic stability) performed at Invitae indicates that this missense variant is expected to disrupt NPC1 protein function. ClinVar contains an entry for this variant (Variation ID: 550833). This missense change has been observed in individual(s) with Niemann-Pick disease type C (PMID: 26981555). This variant is not present in population databases (gnomAD no frequency). This sequence change replaces leucine, which is neutral and non-polar, with proline, which is neutral and non-polar, at codon 1045 of the NPC1 protein (p.Leu1045Pro).

Revvity Omics, Revvity
Classification: Uncertain significance for Niemann-Pick disease, type C1. Last evaluated: 2020-12-14. Review status: criteria provided, single submitter. Criteria: ACMG Guidelines, 2015. Collection method: clinical testing. Allele origin: germline.

Counsyl
Classification: Uncertain significance for Niemann-Pick disease, type C1. Last evaluated: 2017-02-23. Review status: no assertion criteria provided. Collection method: clinical testing. Allele origin: unknown. Not counted in ClinVar's aggregate classification.

Literature cited by the submitters: PubMed 26981555 (cited by 3 submitters).